The following is an entry in ClinVar:

ClinVar aggregate classification (germline): Likely pathogenic (1 of 4 stars; one submission).

Submission:

OLLIN Analises Genomicas, OLLIN
Classification: Likely pathogenic. Last evaluated: 2026-08-06. Review status: criteria provided, single submitter. Criteria: ACMG Guidelines 2015 PMID 25741868. Collection method: clinical testing. Allele origin: germline.
Comment: This variant has been observed in gnomAD with an allele frequency of 0.000062%, but has not been reported in ClinVar or identified in the literature. According to the currently available evidence, this variant has been classified as likely pathogenic (PVS1, PM2_P).

NM_001723.7(DST):c.23dup (p.Tyr8Ter)

Gene: DST (dystonin; minus strand). Cytogenetic location: 6p12.1.
Variant type: Duplication.
Coding change: c.23dup on transcript NM_001723.7 (MANE Plus Clinical); coding-DNA position 23, one base duplicated (A; older notation c.23dupA).
Protein change: p.Tyr8Ter; replaces tyrosine 8 with a stop codon.
Molecular consequence: nonsense. On other transcripts: intron variant (9).
Genome position (GRCh38, 1-based): chr6:56,642,766, T duplicated on the plus strand (A on the coding strand, the reverse complement: DST is on the minus strand). VCF-style (leftmost placement, unchanged base first): chr6-56642765-G-GT. GRCh37 (hg19) VCF-style: chr6-56507563-G-GT.
Other names: c.23dup, p.Tyr8Ter (NM_015548.5); c.1680-263dup (NM_001144769.5); c.1779-263dup (NM_001374722.1, NM_001374736.1); c.1806-263dup (NM_001374734.1); c.1266-263dup (NM_001144770.2); c.1146-263dup (NM_001374730.1, NM_001386100.1, NM_183380.4 and 1 more transcripts); short protein forms Y8*.
Identifiers: ClinVar variation 5003023 (VCV005003023.1).
Genomic context (GRCh38, chr6:56,642,765, plus strand): 5'-ATTTGAATCAAGACTGGTTCGAGTGCTGGTAGTGTTACTAAACACAGAATCACTGCTACG[G>GT]TAACTATAACTACTACTGTGCATTTTTATTCCTGAAACGATGTTCTTTCTTTCACCTTTC-3'